The following is an entry in ClinVar:

ClinVar aggregate classification (germline): Pathogenic/Likely pathogenic. Review status: criteria provided, multiple submitters, no conflicts (2 of 4 stars). 11 submissions from 11 submitters: Pathogenic (6); Likely pathogenic (2). 3 of the submissions do not count toward it. Last evaluated 2026-06-01.

Conditions:
Dyskeratosis congenita, autosomal dominant 2. Identifiers: MedGen C3151443, MONDO:0013521, OMIM 613989.
Idiopathic Pulmonary Fibrosis. Also called: Idiopathic fibrosing alveolitis, chronic form; idiopathic fibrosing alveolitis. Identifiers: Orphanet 2032, MedGen C1800706, MeSH D054990, MONDO:0800504.
TERT-related disorder. Also called: TERT-related disorders; TERT-related condition.
Pulmonary fibrosis and/or bone marrow failure, Telomere-related, 1. Also called: PULMONARY FIBROSIS AND/OR BONE MARROW FAILURE SYNDROME, TELOMERE-RELATED, 1. Identifiers: Orphanet 88, MedGen C3553617, MONDO:0013878, OMIM 614742.
Dyskeratosis congenita. Identifiers: Orphanet 1775, MedGen C0265965, MONDO:0015780.
Aplastic anemia. Identifiers: Orphanet 182040, Orphanet 88, MedGen C0002874, MONDO:0015909, OMIM 609135, HP:0001915.

Allele frequency attached by ClinVar (database versions not stated): gnomAD exomes below 0.00001; TOPMed below 0.00001.

Submissions (11):

CeGaT Center for Human Genetics Tuebingen
Classification: Likely pathogenic. Last evaluated: 2026-06-01. Review status: criteria provided, single submitter. Criteria: CeGaT Center For Human Genetics Tuebingen Variant Classification Criteria Version 2. Collection method: clinical testing. Allele origin: germline. Affected: yes. Observed: 1 variant allele.
Comment: TERT: PS4, PM2, PM5, PS3:Supporting

Victorian Clinical Genetics Services, Murdoch Childrens Research Institute
Classification: Pathogenic for Pulmonary fibrosis and/or bone marrow failure, Telomere-related, 1. Last evaluated: 2025-12-15. Review status: criteria provided, single submitter. Criteria: ACMG Guidelines, 2015. Collection method: clinical testing. Allele origin: germline. Affected: yes.
Comment: This variant is classified as Pathogenic. Evidence in support of pathogenic classification: Variant is absent from gnomAD (both v2 and v3); This variant has strong previous evidence of pathogenicity in unrelated individuals. It has been reported as likely pathogenic/pathogenic by multiple clinical testing laboratories (ClinVar). It has also been reported in multiple unrelated individuals with cytopenia, aplastic anaemia or bone marrow failure, including heterozygotes without a known 2nd variant in this gene (PMIDs: 18931339, 21931702, 29596117, 33003434, 34565437); This variant has moderate functional evidence supporting abnormal protein function. Reduced telomere length has been reported in affected individuals with this variant (PMIDs: 18931339, 21931702). In addition, telomeric repeat amplification protocol (TRAP) assay using transfected cells showed this variant resulted in reduced telomerase activity (PMIDs: 18931339, 21931702); Another missense variant comparable to the one identified in this case has moderate previous evidence for pathogenicity. p.(Ala716Thr) has been reported as pathogenic by multiple clinical testing laboratories (ClinVar); Missense variant consistently predicted to be damaging by multiple in silico tools or highly conserved with a major amino acid change. Additional information: Variant is predicted to result in a missense amino acid change from alanine to valine; This variant is heterozygous; This gene is associated with both recessive and dominant disease. No specific genotype-phenotype correlations have been established (PMID: 20301779); Variant is not located in an established domain, motif, hotspot or informative constraint region; Loss of function is a known mechanism of disease in this gene and is associated with autosomal dominant dyskeratosis congenita 2 and autosomal recessive dyskeratosis congenita 4 (MIM#613989) and telomere-related pulmonary fibrosis and/or bone marrow failure 1 (MIM#614742); Variants in this gene are known to have variable expressivity. Phenotypic variability is well reported for dyskeratosis congenita (PMID: 20301779); Inheritance information for this variant is not currently available in this individual.

Labcorp Genetics (formerly Invitae), Labcorp
Classification: Pathogenic for Dyskeratosis congenita, autosomal dominant 2; Idiopathic Pulmonary Fibrosis. Last evaluated: 2025-10-23. Review status: criteria provided, single submitter. Criteria: Invitae Variant Classification Sherloc (09022015). Collection method: clinical testing. Allele origin: germline.
Comment: This sequence change replaces alanine, which is neutral and non-polar, with valine, which is neutral and non-polar, at codon 716 of the TERT protein (p.Ala716Val). This variant is not present in population databases (gnomAD no frequency). This missense change has been observed in individual(s) with TERT-related conditions (PMID: 18931339, 21931702, 29146883; internal data). It has also been observed to segregate with disease in related individuals. ClinVar contains an entry for this variant (Variation ID: 39109). Invitae Evidence Modeling of protein sequence and biophysical properties (such as structural, functional, and spatial information, amino acid conservation, physicochemical variation, residue mobility, and thermodynamic stability) indicates that this missense variant is expected to disrupt TERT protein function with a positive predictive value of 95%. Experimental studies have shown that this missense change affects TERT function (PMID: 18931339, 21931702). This variant disrupts the p.Ala716 amino acid residue in TERT. Other variant(s) that disrupt this residue have been determined to be pathogenic (PMID: 30203795). This suggests that this residue is clinically significant, and that variants that disrupt this residue are likely to be disease-causing. For these reasons, this variant has been classified as Pathogenic.

Genomic Medicine Center of Excellence, King Faisal Specialist Hospital and Research Centre
Classification: Pathogenic for Pulmonary fibrosis and/or bone marrow failure, Telomere-related, 1. Last evaluated: 2025-09-10. Review status: criteria provided, single submitter. Criteria: ACMG Guidelines, 2015. Collection method: clinical testing. Allele origin: germline.

PreventionGenetics, part of Exact Sciences
Classification: Pathogenic for TERT-related condition. Last evaluated: 2024-12-01. Review status: criteria provided, single submitter. Criteria: ACMG Guidelines, 2015. Collection method: clinical testing. Allele origin: germline.
Comment: The TERT c.2147C>T variant is predicted to result in the amino acid substitution p.Ala716Val. This variant has been reported in individuals with aplastic anemia and bone marrow failure, as well as in cohorts of telomere biology disorders (Du et al. 2009. PubMed ID: 18931339; Bluteau et al. 2017. PubMed ID: 29146883; Tometten et al. 2021. PubMed ID: 34565437; Table S3, McReynolds et al. 2022. PubMed ID: 35776903; Vulliamy et al. 2011. PubMed ID: 21931702; Lebeer et al. 2018. PubMed ID: 29596117). In vitro experimental studies show that this variant results in reduced telomere activity and shortened telomeres (Du et al. 2009. PubMed ID: 18931339). An alternate nucleotide change affecting the same amino acid (p.Ala716Thr) has been reported in individuals affected with TERT-related disorders (Parry et al. 2011. PubMed ID: 21436073; Guidugli et al. 2017. PubMed ID: 28104920). This variant has not been reported in a large population database (gnomAD), indicating this variant is rare. This variant is interpreted as pathogenic.

Blueprint Genetics
Classification: Pathogenic for TERT-related disorders. Last evaluated: 2023-08-04. Review status: criteria provided, single submitter. Criteria: ACMG Guidelines, 2015. Collection method: clinical testing. Allele origin: germline. Affected: yes. Observed: 1 variant allele.

GeneDx
Classification: Pathogenic. Last evaluated: 2020-03-10. Review status: criteria provided, single submitter. Criteria: GeneDx Variant Classification Process June 2021. Collection method: clinical testing. Allele origin: germline. Affected: yes.
Comment: Published functional studies demonstrate a damaging effect: reduced telomerase activity and telomere length (Du 2009, Vulliamy 2011); Not observed in large population cohorts (Lek 2016); In silico analysis supports that this missense variant has a deleterious effect on protein structure/function; This variant is associated with the following publications: (PMID: 29596117, 18931339, 21931702, 23618685, 29146883, 20301779, 23538340)

Ambry Genetics
Classification: Likely pathogenic for Dyskeratosis congenita. Last evaluated: 2017-05-10. Review status: criteria provided, single submitter. Criteria: Ambry Variant Classification Scheme 2023. Collection method: clinical testing. Allele origin: germline.
Comment: The p.A716V variant (also known as c.2147C>T), located in coding exon 6 of the TERT gene, results from a C to T substitution at nucleotide position 2147. The alanine at codon 716 is replaced by valine, an amino acid with similar properties. This variant was previously identified in a child with severe pancytopenia and a significant family history of aplastic anemia and lung disease; the p.A716V variant showed a significant reduction in telomerase activity (14% of wild type), and telomere length was determined to be below the 1st percentile of normal controls for this patient (Du HY et al. Blood., 2009 Jan;113(2):309-16). This amino acid position is highly conserved in available vertebrate species. In addition, this alteration is predicted to be deleterious by in silico analysis. Based on the majority of available evidence to date, this variant is likely to be pathogenic.

Clinical Genetics DNA and cytogenetics Diagnostics Lab, Erasmus MC, Erasmus Medical Center
Classification: Likely pathogenic. Review status: no assertion criteria provided. Collection method: clinical testing. Allele origin: germline. Affected: yes. Study: VKGL Data-share Consensus. Not counted in ClinVar's aggregate classification.

GeneReviews
No classification provided. Condition: Aplastic anemia. Review status: no classification provided. Collection method: literature only. Allele origin: unknown. Not counted in ClinVar's aggregate classification.

Joint Genome Diagnostic Labs from Nijmegen and Maastricht, Radboudumc and MUMC+
Classification: Pathogenic. Review status: no assertion criteria provided. Collection method: clinical testing. Allele origin: germline. Affected: yes. Study: VKGL Data-share Consensus. Not counted in ClinVar's aggregate classification.

Literature cited by the submitters: PubMed 29596117 (cited by Victorian Clinical Genetics Services, Murdoch Childrens Research Institute); PubMed 18931339 (cited by Victorian Clinical Genetics Services, Murdoch Childrens Research Institute and Labcorp Genetics (formerly Invitae), Labcorp); PubMed 20301779 (cited by Victorian Clinical Genetics Services, Murdoch Childrens Research Institute and GeneReviews); PubMed 33003434 (cited by Victorian Clinical Genetics Services, Murdoch Childrens Research Institute); PubMed 21931702 (cited by Victorian Clinical Genetics Services, Murdoch Childrens Research Institute and Labcorp Genetics (formerly Invitae), Labcorp); PubMed 34565437 (cited by Victorian Clinical Genetics Services, Murdoch Childrens Research Institute); PubMed 29146883 (cited by Labcorp Genetics (formerly Invitae), Labcorp); PubMed 30203795 (cited by Labcorp Genetics (formerly Invitae), Labcorp); NCBI Bookshelf NBK22301 (cited by GeneReviews).

NM_198253.3(TERT):c.2147C>T (p.Ala716Val)

Gene: TERT (telomerase reverse transcriptase; minus strand). Cytogenetic location: 5p15.33.
Variant type: single nucleotide variant.
Coding change: c.2147C>T on transcript NM_198253.3 (MANE Select); coding-DNA position 2147, C replaced by T.
Protein change: p.Ala716Val; replaces alanine 716 with valine.
Molecular consequence: missense variant. On other transcripts: non-coding transcript variant (1).
Genome position (GRCh38, 1-based): chr5:1,278,780, G>A on the plus strand (C>T on the coding strand, the complement: TERT is on the minus strand). VCF-style: chr5-1278780-G-A. GRCh37 (hg19) VCF-style: chr5-1278895-G-A.
Other names: c.2147C>T, p.Ala716Val (NM_001193376.3); short protein forms A716V.
Identifiers: ClinVar variation 39109 (VCV000039109.26), dbSNP rs199422298, ClinGen allele CA343437.